The following is an entry in ClinVar:

NM_001267550.2(TTN):c.79811dup (p.Arg26605fs)

Genes: TTN-AS1 (TTN antisense RNA 1; plus strand), TTN (titin; minus strand). Cytogenetic location: 2q31.2.
Variant type: Duplication.
Coding change: c.79811dup on transcript NM_001267550.2 (MANE Select); coding-DNA position 79811, one base duplicated (T; older notation c.79811dupT).
Protein change: p.Arg26605fs; shifts the reading frame from arginine 26605.
Molecular consequence: frameshift variant.
Genome position (GRCh38, 1-based): chr2:178,566,321, A duplicated on the plus strand (T on the coding strand, the reverse complement: TTN is on the minus strand). VCF-style (leftmost placement, unchanged base first): chr2-178566320-T-TA. GRCh37 (hg19) VCF-style: chr2-179431047-T-TA.
Other names: c.74888dup, p.Arg24964fs (NM_001256850.1); c.52616dup, p.Arg17540fs (NM_003319.4); c.72107dup, p.Arg24037fs (NM_133378.4); c.52991dup, p.Arg17665fs (NM_133432.3); c.53192dup, p.Arg17732fs (NM_133437.4); short protein forms R17540fs, R17665fs, R17732fs, R24037fs, R24964fs, R26605fs.
Identifiers: ClinVar variation 3755591 (VCV003755591.2).

ClinVar aggregate classification (germline): Likely pathogenic (1 of 4 stars; one submission).

Conditions:
Dilated cardiomyopathy 1G (CMD1G). Identifiers: Orphanet 154, MedGen C1858763, MONDO:0011400, OMIM 604145.
Autosomal recessive limb-girdle muscular dystrophy type 2J (LGMDR10). Also called: Limb-girdle muscular dystrophy, type 2J; MUSCULAR DYSTROPHY, LIMB-GIRDLE, AUTOSOMAL RECESSIVE 10. Identifiers: Orphanet 140922, MedGen C1837342, MONDO:0012127, OMIM 608807.

Submission:

Labcorp Genetics (formerly Invitae), Labcorp
Classification: Likely pathogenic for Dilated cardiomyopathy 1G; Autosomal recessive limb-girdle muscular dystrophy type 2J. Last evaluated: 2025-02-09. Review status: criteria provided, single submitter. Criteria: Invitae Variant Classification Sherloc (09022015). Collection method: clinical testing. Allele origin: germline.
Comment: This sequence change creates a premature translational stop signal (p.Arg26605Lysfs*19) in the TTN gene. While this is not anticipated to result in nonsense mediated decay, it is expected to create a truncated TTN protein. This variant is not present in population databases (gnomAD no frequency). This variant has not been reported in the literature in individuals affected with TTN-related conditions. This variant is located in the A band of TTN (PMID: 25589632). Truncating variants in this region are significantly overrepresented in patients affected with dilated cardiomyopathy (PMID: 25589632). Truncating variants in this region have also been reported in individuals affected with autosomal recessive centronuclear myopathy (PMID: 23975875). In summary, the currently available evidence indicates that the variant is pathogenic, but additional data are needed to prove that conclusively. Therefore, this variant has been classified as Likely Pathogenic.

Literature cited by the submitters: PubMed 25589632; PubMed 23975875.